The following is an entry in ClinVar:

NM_133510.4(RAD51B):c.435_437del (p.Ala146del)

Gene: RAD51B (RAD51 paralog B; plus strand). Cytogenetic location: 14q24.1.
Variant type: Deletion.
Coding change: c.435_437del on transcript NM_133510.4 (MANE Select); coding-DNA positions 435 to 437, 3 bases deleted (TGC; older notation c.435_437delTGC).
Protein change: p.Ala146del; deletes alanine 146.
Genome position (GRCh38, 1-based): chr14:67,865,122-67,865,124, TGC deleted; deleting any 3 consecutive bases within chr14:67,865,121-67,865,124 gives the same sequence; the c. name uses the placement nearest the transcript's 3' end. VCF-style (leftmost placement, unchanged base first): chr14-67865120-TCTG-T. GRCh37 (hg19) VCF-style: chr14-68331837-TCTG-T.
Other names: c.435_437del, p.Ala146del (NM_001321809.2, NM_001321810.2, NM_001321812.1 and 6 more transcripts); c.321_323del, p.Ala108del (NM_001321815.1); c.78_80del, p.Ala27del (NM_001321817.2); short protein forms A108del, A146del, A27del.
Identifiers: ClinVar variation 4149799 (VCV004149799.1).
Genomic context (GRCh38, chr14:67,865,120, plus strand): 5'-GCTACATTACCCACCAACATGGGAGGATTAGAAGGAGCTGTGGTGTACATTGACACAGAG[TCTG>T]CATTTAGTGCTGAAAGGTATGAGATTTTATTTTCTATTATAATGTTTTACTTTTGTAACT-3'

ClinVar aggregate classification (germline): Uncertain significance (1 of 4 stars; one submission).

Submission:

Ambry Genetics
Classification: Uncertain significance. Last evaluated: 2025-07-02. Review status: criteria provided, single submitter. Criteria: Ambry Variant Classification Scheme 2023. Collection method: clinical testing. Allele origin: germline.
Comment: The c.435_437delTGC variant (also known as p.A146del) is located in coding exon 4 of the RAD51B gene. This variant results from an in-frame TGC deletion at nucleotide positions 435 to 437. This results in the in-frame deletion of an alanine at codon 146. This amino acid position is highly conserved in available vertebrate species. In addition, this variant is predicted to be deleterious by in silico analysis (Choi Y et al. PLoS ONE. 2012; 7(10):e46688). Based on the available evidence, the clinical significance of this variant remains unclear.